The following is an entry in ClinVar:

NM_000497.4(CYP11B1):c.302A>C (p.Gln101Pro)

Gene: CYP11B1 (cytochrome P450 family 11 subfamily B member 1; minus strand). Cytogenetic location: 8q24.3.
Variant type: single nucleotide variant.
Coding change: c.302A>C on transcript NM_000497.4 (MANE Select); coding-DNA position 302, A replaced by C.
Protein change: p.Gln101Pro; replaces glutamine 101 with proline.
Molecular consequence: missense variant.
Genome position (GRCh38, 1-based): chr8:142,879,125, T>G on the plus strand (A>C on the coding strand, the complement: CYP11B1 is on the minus strand). VCF-style: chr8-142879125-T-G. GRCh37 (hg19) VCF-style: chr8-143960541-T-G.
Other names: c.302A>C, p.Gln101Pro (NM_001026213.1); short protein forms Q101P.
Identifiers: ClinVar variation 4739974 (VCV004739974.1).

ClinVar aggregate classification (germline): Uncertain significance (1 of 4 stars; one submission).

Submission:

Labcorp Genetics (formerly Invitae), Labcorp
Classification: Uncertain significance. Last evaluated: 2025-03-13. Review status: criteria provided, single submitter. Criteria: Invitae Variant Classification Sherloc (09022015). Collection method: clinical testing. Allele origin: germline.
Comment: This sequence change replaces glutamine, which is neutral and polar, with proline, which is neutral and non-polar, at codon 101 of the CYP11B1 protein (p.Gln101Pro). This variant is present in population databases (no rsID available, gnomAD 0.007%). This missense change has been observed in individual(s) with autosomal recessive adrenal hyperplasia (internal data). In at least one individual the data is consistent with being in trans (on the opposite chromosome) from a pathogenic variant. Invitae Evidence Modeling of protein sequence and biophysical properties (such as structural, functional, and spatial information, amino acid conservation, physicochemical variation, residue mobility, and thermodynamic stability) has been performed for this missense variant. However, the output from this modeling did not meet the statistical confidence thresholds required to predict the impact of this variant on CYP11B1 protein function. In summary, the available evidence is currently insufficient to determine the role of this variant in disease. Therefore, it has been classified as a Variant of Uncertain Significance.